The following is an entry in ClinVar:

ClinVar aggregate classification (germline): Uncertain significance (1 of 4 stars; one submission).

Conditions:
Neuropathy, hereditary sensory and autonomic, type 1C. Also called: HSAN IC; HSN IC. Identifiers: Orphanet 36386, MedGen C3150896, MONDO:0013337, OMIM 613640.

Allele frequency attached by ClinVar (database versions not stated): gnomAD exomes below 0.00001; TOPMed 0.00002.
gnomAD v4.1: 1 of 1,614,036 alleles (0.000062%); highest among the groups gnomAD compares: African/African-American, 0.0013%; no homozygotes.

Submission:

Labcorp Genetics (formerly Invitae), Labcorp
Classification: Uncertain significance for Neuropathy, hereditary sensory and autonomic, type 1C. Last evaluated: 2022-04-16. Review status: criteria provided, single submitter. Criteria: Invitae Variant Classification Sherloc (09022015). Collection method: clinical testing. Allele origin: germline.
Comment: This sequence change replaces glutamine, which is neutral and polar, with arginine, which is basic and polar, at codon 440 of the SPTLC2 protein (p.Gln440Arg). This variant is not present in population databases (gnomAD no frequency). This variant has not been reported in the literature in individuals affected with SPTLC2-related conditions. Algorithms developed to predict the effect of missense changes on protein structure and function (SIFT, PolyPhen-2, Align-GVGD) all suggest that this variant is likely to be tolerated. In summary, the available evidence is currently insufficient to determine the role of this variant in disease. Therefore, it has been classified as a Variant of Uncertain Significance.

NM_004863.4(SPTLC2):c.1319A>G (p.Gln440Arg)

Gene: SPTLC2 (serine palmitoyltransferase long chain base subunit 2; minus strand). Cytogenetic location: 14q24.3.
Variant type: single nucleotide variant.
Coding change: c.1319A>G on transcript NM_004863.4 (MANE Select); coding-DNA position 1319, A replaced by G.
Protein change: p.Gln440Arg; replaces glutamine 440 with arginine.
Molecular consequence: missense variant.
Genome position (GRCh38, 1-based): chr14:77,521,566, T>C on the plus strand (A>G on the coding strand, the complement: SPTLC2 is on the minus strand). VCF-style: chr14-77521566-T-C. GRCh37 (hg19) VCF-style: chr14-77987909-T-C.
Other names: short protein forms Q440R.
Identifiers: ClinVar variation 2126859 (VCV002126859.4), dbSNP rs1239912393, ClinGen allele CA390701236.
Genomic context (GRCh38, chr14:77,521,566, plus strand): 5'-ATGATGAAGCCCATCTCTTTCAGGCGTCTCCTGAAATACCTGGTGTTTTCAGCTAACTGT[T>C]GTACACACTCTTTACCTGGAAAGTCACGGTGAGAGAAAACAAAATAATCCTAAGTAAAAA-3'
Protein context (NP_004854.1, residues 430-450): DGTSLGKECV[Gln440Arg]QLAENTRYFR